The following is an entry in ClinVar:

ClinVar aggregate classification (germline): Likely benign. Review status: criteria provided, multiple submitters, no conflicts (2 of 4 stars). 2 submissions from 2 submitters: Likely benign (2). Last evaluated 2025-11-13.

Conditions:
Methylmalonic acidemia due to methylmalonyl-CoA epimerase deficiency. Also called: Methylmalonyl-CoA Epimerase Deficiency; METHYLMALONYL-CoA RACEMASE DEFICIENCY; METHYLMALONIC ACIDURIA III. Identifiers: Orphanet 308425, MedGen C1855100, MONDO:0009615, OMIM 251120.
MCEE-related disorder. Also called: MCEE-related condition.

Submissions (2):

PreventionGenetics, part of Exact Sciences
Classification: Likely benign for MCEE-related condition. Last evaluated: 2025-11-13. Review status: criteria provided, single submitter. Criteria: ACMG Guidelines, 2015. Collection method: clinical testing. Allele origin: germline.
Comment: This variant is classified as likely benign based on ACMG/AMP sequence variant interpretation guidelines (Richards et al. 2015 PMID: 25741868, with internal and published modifications).

Labcorp Genetics (formerly Invitae), Labcorp
Classification: Likely benign for Methylmalonic acidemia due to methylmalonyl-CoA epimerase deficiency. Last evaluated: 2023-02-08. Review status: criteria provided, single submitter. Criteria: Invitae Variant Classification Sherloc (09022015). Collection method: clinical testing. Allele origin: germline.

NM_032601.4(MCEE):c.78A>G (p.Val26=)

Gene: MCEE (methylmalonyl-CoA epimerase; minus strand). Cytogenetic location: 2p13.3.
Variant type: single nucleotide variant.
Coding change: c.78A>G on transcript NM_032601.4 (MANE Select); coding-DNA position 78, A replaced by G.
Protein change: p.Val26=; no amino-acid change (valine 26 retained).
Molecular consequence: synonymous variant.
Genome position (GRCh38, 1-based): chr2:71,124,506, T>C on the plus strand (A>G on the coding strand, the complement: MCEE is on the minus strand). VCF-style: chr2-71124506-T-C. GRCh37 (hg19) VCF-style: chr2-71351636-T-C.
Other names: c.78A>G (NM_032601.3).
Identifiers: ClinVar variation 2992369 (VCV002992369.4), dbSNP rs2465918546, ClinGen allele CA426691984.